The following is an entry in ClinVar:

NM_014806.5(RUSC2):c.2423C>A (p.Pro808His)

Gene: RUSC2 (RUN and SH3 domain containing 2; plus strand). Cytogenetic location: 9p13.3.
Variant type: single nucleotide variant.
Coding change: c.2423C>A on transcript NM_014806.5 (MANE Select); coding-DNA position 2423, C replaced by A.
Protein change: p.Pro808His; replaces proline 808 with histidine.
Molecular consequence: missense variant. On other transcripts: 5 prime UTR variant (1), non-coding transcript variant (1).
Genome position (GRCh38, 1-based): chr9:35,555,468, C>A. VCF-style: chr9-35555468-C-A. GRCh37 (hg19) VCF-style: chr9-35555465-C-A.
Other names: c.2423C>A, p.Pro808His (NM_001135999.2); c.-212C>A (NM_001330740.2); short protein forms P808H.
Identifiers: ClinVar variation 1472823 (VCV001472823.3), dbSNP rs1821993910, ClinGen allele CA373341642.
Genomic context (GRCh38, chr9:35,555,468, plus strand): 5'-CCTTTGGGCCCAGCACTGACTCTTCTGCCTCCACTTCGTGCTCCCCTCCCCCAGAGCAGC[C>A]CACAGCCACAGAAAGCCTGCCCCCATGGAGCCACTCCTGTCCTTCTGCTGTCCGGCCTGC-3'
Protein context (NP_055621.2, residues 798-818): STSCSPPPEQ[Pro808His]TATESLPPWS

ClinVar aggregate classification (germline): Uncertain significance (1 of 4 stars; one submission).

Allele frequency attached by ClinVar (database versions not stated): TOPMed below 0.00001; gnomAD 0.00001.
gnomAD v4.1: 17 of 1,614,082 alleles (0.0011%); highest among the groups gnomAD compares: Admixed American, 0.0017%; no homozygotes.

Submission:

Labcorp Genetics (formerly Invitae), Labcorp
Classification: Uncertain significance. Last evaluated: 2022-08-16. Review status: criteria provided, single submitter. Criteria: Invitae Variant Classification Sherloc (09022015). Collection method: clinical testing. Allele origin: germline.
Comment: This sequence change replaces proline, which is neutral and non-polar, with histidine, which is basic and polar, at codon 808 of the RUSC2 protein (p.Pro808His). This variant is not present in population databases (gnomAD no frequency). This variant has not been reported in the literature in individuals affected with RUSC2-related conditions. ClinVar contains an entry for this variant (Variation ID: 1472823). Algorithms developed to predict the effect of missense changes on protein structure and function are either unavailable or do not agree on the potential impact of this missense change (SIFT: "Deleterious"; PolyPhen-2: "Benign"; Align-GVGD: "Class C0"). In summary, the available evidence is currently insufficient to determine the role of this variant in disease. Therefore, it has been classified as a Variant of Uncertain Significance.